The following is an entry in ClinVar:

ClinVar aggregate classification (germline): Uncertain significance. Review status: criteria provided, multiple submitters, no conflicts (2 of 4 stars). 2 submissions from 2 submitters: Uncertain significance (2). Last evaluated 2024-09-21.

Conditions:
Von Hippel-Lindau syndrome (VHLS). Also called: von Hippel–Lindau syndrome; VHL syndrome; Von Hippel-Lindau. Identifiers: Orphanet 892, MedGen C0019562, MONDO:0008667, OMIM 193300. Disease mechanism: loss of function.
Chuvash polycythemia. Also called: POLYCYTHEMIA, VHL-DEPENDENT. Identifiers: Orphanet 238557, MedGen C1837915, MONDO:0009892, OMIM 263400.
Hereditary cancer-predisposing syndrome. Also called: Tumor predisposition; Hereditary Cancer Syndrome; Hereditary neoplastic syndrome; Neoplastic Syndromes, Hereditary. Identifiers: Orphanet 140162, MedGen C0027672, MeSH D009386, MONDO:0015356.

Submissions (2):

Ambry Genetics
Classification: Uncertain significance for Hereditary cancer-predisposing syndrome. Last evaluated: 2024-09-21. Review status: criteria provided, single submitter. Criteria: Ambry Variant Classification Scheme 2023. Collection method: clinical testing. Allele origin: germline.
Comment: The p.R79L variant (also known as c.236G>T), located in coding exon 1 of the VHL gene, results from a G to T substitution at nucleotide position 236. The arginine at codon 79 is replaced by leucine, an amino acid with dissimilar properties. In an assay testing VHL function, this variant showed a functionally normal result (Buckley M et al. Nat Genet, 2024 Jul;56:1446-1455). This amino acid position is well conserved in available vertebrate species. In addition, this alteration is predicted to be deleterious by in silico analysis. Based on the available evidence, the clinical significance of this variant remains unclear.

Labcorp Genetics (formerly Invitae), Labcorp
Classification: Uncertain significance for Von Hippel-Lindau syndrome; Chuvash polycythemia. Last evaluated: 2022-01-03. Review status: criteria provided, single submitter. Criteria: Invitae Variant Classification Sherloc (09022015). Collection method: clinical testing. Allele origin: germline.
Comment: In summary, the available evidence is currently insufficient to determine the role of this variant in disease. Therefore, it has been classified as a Variant of Uncertain Significance. This variant disrupts the p.Arg79 amino acid residue in VHL. Other variant(s) that disrupt this residue have been observed in individuals with VHL-related conditions (PMID: 15642680, 24555745), which suggests that this may be a clinically significant amino acid residue. Advanced modeling of protein sequence and biophysical properties (such as structural, functional, and spatial information, amino acid conservation, physicochemical variation, residue mobility, and thermodynamic stability) performed at Invitae indicates that this missense variant is expected to disrupt VHL protein function. This variant has not been reported in the literature in individuals affected with VHL-related conditions. This variant is not present in population databases (gnomAD no frequency). This sequence change replaces arginine, which is basic and polar, with leucine, which is neutral and non-polar, at codon 79 of the VHL protein (p.Arg79Leu).

Literature cited by the submitters: PubMed 38969834 (cited by Ambry Genetics); PubMed 15642680 (cited by Labcorp Genetics (formerly Invitae), Labcorp); PubMed 24555745 (cited by Labcorp Genetics (formerly Invitae), Labcorp).

NM_000551.4(VHL):c.236G>T (p.Arg79Leu)

Gene: VHL (von Hippel-Lindau tumor suppressor; plus strand). Cytogenetic location: 3p25.3.
Variant type: single nucleotide variant.
Coding change: c.236G>T on transcript NM_000551.4 (MANE Select); coding-DNA position 236, G replaced by T.
Protein change: p.Arg79Leu; replaces arginine 79 with leucine.
Molecular consequence: missense variant.
Genome position (GRCh38, 1-based): chr3:10,142,083, G>T. VCF-style: chr3-10142083-G-T. GRCh37 (hg19) VCF-style: chr3-10183767-G-T.
Other names: c.236G>T, p.Arg79Leu (NM_001354723.2, NM_198156.3); short protein forms R79L.
Identifiers: ClinVar variation 2072381 (VCV002072381.3), dbSNP rs2125125087, ClinGen allele CA351749314.
Genomic context (GRCh38, chr3:10,142,083, plus strand): 5'-CGCGGCCCGTGCTGCGCTCGGTGAACTCGCGCGAGCCCTCCCAGGTCATCTTCTGCAATC[G>T]CAGTCCGCGCGTCGTGCTGCCCGTATGGCTCAACTTCGACGGCGAGCCGCAGCCCTACCC-3'
Protein context (NP_000542.1, residues 69-89): REPSQVIFCN[Arg79Leu]SPRVVLPVWL